The following is an entry in ClinVar:

NC_000016.9:g.(?_65821800)_(72146396_?)del

Genes: AARS1 (alanyl-tRNA synthetase 1; minus strand), ACD (ACD shelterin complex subunit and telomerase recruitment factor; minus strand), AGRP (agouti related neuropeptide; minus strand), AP1G1 (adaptor related protein complex 1 subunit gamma 1; minus strand), ATP6V0D1 (ATPase H+ transporting V0 subunit d1; minus strand) and 124 more. Cytogenetic location: 16q21-22.2.
Variant type: Deletion.
Identifiers: ClinVar variation 2423664 (VCV002423664.4).

ClinVar aggregate classification (germline): no classifications from unflagged records (0 of 4 stars; one submission).

Conditions:
Dyskeratosis congenita, autosomal dominant 6 (DKCA6). Identifiers: Orphanet 3322, MedGen C4225284, MONDO:0014690, OMIM 616553.

Submission:

Labcorp Genetics (formerly Invitae), Labcorp
Classification: Uncertain significance for Dyskeratosis congenita, autosomal dominant 6. Last evaluated: 2022-03-23. Review status: flagged submission. Criteria: Invitae Variant Classification Sherloc (09022015). Collection method: clinical testing. Allele origin: germline.
Comment: A gross deletion of the genomic region encompassing the full coding sequence of the ACD gene has been identified. The current clinical and genetic evidence is not sufficient to establish whether loss-of-function variants in ACD cause disease. The boundaries of this event are unknown as they extend beyond the assayed region for this gene and therefore may encompass additional genes. In summary, the available evidence is currently insufficient to determine the role of this variant in disease. Therefore, it has been classified as a Variant of Uncertain Significance. Experimental studies and prediction algorithms are not available or were not evaluated, and the functional significance of this variant is currently unknown. This variant has not been reported in the literature in individuals affected with ACD-related conditions.
ClinVar note: Notes: This submission was flagged because its interpretation of this variant conflicts with the ClinGen Gene Dosage Map curations for the following genes: CTCF CDH1.
ClinVar note: Reason: Conflict with ClinGen Gene Dosage Map